The following is an entry in ClinVar:

ClinVar aggregate classification (germline): Pathogenic. Review status: reviewed by expert panel (3 of 4 stars). 3 submissions from 3 submitters: Pathogenic (1). 2 of the submissions do not count toward it. Last evaluated 2023-11-14.

Conditions:
Immunodeficiency 104. Also called: Severe combined immunodeficiency, autosomal recessive, T cell-negative, B cell-positive, NK cell-positive; SCID, AUTOSOMAL RECESSIVE, T CELL-NEGATIVE, B CELL-POSITIVE, NK CELL-POSITIVE; Severe Combined Immune Deficiency, Autosomal Recessive, TCell -Negative, B Cell-Positive, NK Cell-Positive, IL7R-Related; IMMUNODEFICIENCY 104, SEVERE COMBINED. Identifiers: MedGen C5676890, MONDO:0012163, OMIM 608971.

Allele frequency attached by ClinVar (database versions not stated): gnomAD exomes 0.00001; gnomAD 0.00002; TOPMed 0.00003.
gnomAD v4.1: 12 of 1,613,370 alleles (0.00074%); highest among the groups gnomAD compares: Admixed American, 0.005%; no homozygotes.

Submissions (3):

ClinGen Severe Combined Immunodeficiency Variant Curation Expert Panel, ClinGen
Classification: Pathogenic for Immunodeficiency 104. Last evaluated: 2023-11-14. Review status: reviewed by expert panel. Criteria: ClinGen SCID ACMG Specifications IL7R V1.0.0. Collection method: curation. Allele origin: germline. Inheritance: Autosomal recessive inheritance.
Comment: The c.538-1G>A (NM_002185.5) variant in IL7R occurs within the canonical splice acceptor site (-1) of intron 4. It is predicted to cause either skipping of biologically relevant exon 5 or use of cryptic splicing site 25 nt upstream (predicted by varSEAK) or 17 nt downstream (predicted by SpliceAI) of the canonical site. In all cases, the variant is predicted to result in a frameshift leading to nonsense-mediated decay in a gene in which loss-of-function is an established disease mechanism. PVS1 is met. The Popmax filtering allele frequency (the upper threshold of the 95% CI of 2/112934) of the c.538-1G>A variant in IL7R is 0.000002940 for European (non-Finnish) chromosomes by gnomAD v2.1.1, which is lower than the ClinGen SCID VCEP threshold (<0.00004129) for PM2_Supporting, and therefore meets this criterion (PM2_Supporting). Additionally, no homozygous individuals have been reported. At least one patient with this variant displayed: Diagnostic criteria for SCID/Leaky SCID/Omenn syndrome met (0.5pt) + Reduced CD127 expression (1pt) + T-B+NK+ lymphocyte subset profile (0.25pt), which is highly specific for SCID. (Total of 1.75 points, PP4 is met, PMID 9843216). The same patient was compound heterozygous for the variant and p.Trp217Ter, likely pathogenic according to SCID VCEP specifications. The phase of those was confirmed in trans by cloning assay (1pt in total, PM3 is met). In summary, this variant is classified as Pathogenic for autosomal recessive SCID based on ACMG/AMP criteria applied, as specified by the ClinGen SCID VCEP (specification version 1.0): PVS1, PM2_Supporting, PM3, PP4.

Labcorp Genetics (formerly Invitae), Labcorp
Classification: Pathogenic for Immunodeficiency 104. Last evaluated: 2024-04-10. Review status: criteria provided, single submitter. Criteria: Invitae Variant Classification Sherloc (09022015). Collection method: clinical testing. Allele origin: germline. Not counted in ClinVar's aggregate classification.
Comment: This sequence change affects an acceptor splice site in intron 4 of the IL7R gene. It is expected to disrupt RNA splicing. Variants that disrupt the donor or acceptor splice site typically lead to a loss of protein function (PMID: 16199547), and loss-of-function variants in IL7R are known to be pathogenic (PMID: 21664875, 26123418). This variant is present in population databases (no rsID available, gnomAD 0.003%). Disruption of this splice site has been observed in individuals with T−B+NK+ severecombined immunodeficiency (PMID: 9843216). ClinVar contains an entry for this variant (Variation ID: 14841). Algorithms developed to predict the effect of sequence changes on RNA splicing suggest that this variant may disrupt the consensus splice site. For these reasons, this variant has been classified as Pathogenic.

OMIM
Classification: Pathogenic for IMMUNODEFICIENCY 104, SEVERE COMBINED. Last evaluated: 1998-12-01. Review status: no assertion criteria provided. Collection method: literature only. Allele origin: germline. Not counted in ClinVar's aggregate classification.

Literature cited by the submitters: PubMed 16199547 (cited by Labcorp Genetics (formerly Invitae), Labcorp); PubMed 21664875 (cited by Labcorp Genetics (formerly Invitae), Labcorp); PubMed 26123418 (cited by Labcorp Genetics (formerly Invitae), Labcorp); PubMed 9843216 (cited by Labcorp Genetics (formerly Invitae), Labcorp and OMIM).

NM_002185.5(IL7R):c.538-1G>A

Gene: IL7R (interleukin 7 receptor; plus strand). Cytogenetic location: 5p13.2.
Variant type: single nucleotide variant.
Coding change: c.538-1G>A on transcript NM_002185.5 (MANE Select); the canonical splice acceptor site of the intron before coding-DNA position 538, G replaced by A.
Molecular consequence: splice acceptor variant.
Genome position (GRCh38, 1-based): chr5:35,873,479, G>A. VCF-style: chr5-35873479-G-A. GRCh37 (hg19) VCF-style: chr5-35873581-G-A.
Other names: IVS4, G-A, -1; c.538-1G>A (NM_001410734.1).
Identifiers: ClinVar variation 14841 (VCV000014841.12), dbSNP rs1315265916, ClinGen allele CA359430531.
Genomic context (GRCh38, chr5:35,873,479, plus strand): 5'-GGGAGATTTAGGCAACACCTCTTTTCCCATCCTAAGAATGTAACTGCACTCTACTCTCTA[G>A]CATGTGAATTTATCCAGCACAAAGCTGACACTCCTGCAGAGAAAGCTCCAACCGGCAGCA-3'